The following is an entry in ClinVar:

NM_001010892.3(RSPH4A):c.1970A>G (p.Tyr657Cys)

Gene: RSPH4A (radial spoke head component 4A; plus strand). Cytogenetic location: 6q22.1.
Variant type: single nucleotide variant.
Coding change: c.1970A>G on transcript NM_001010892.3 (MANE Select); coding-DNA position 1970, A replaced by G.
Protein change: p.Tyr657Cys; replaces tyrosine 657 with cysteine.
Molecular consequence: missense variant. On other transcripts: 3 prime UTR variant (1).
Genome position (GRCh38, 1-based): chr6:116,632,260, A>G. VCF-style: chr6-116632260-A-G. GRCh37 (hg19) VCF-style: chr6-116953423-A-G.
Other names: c.*31A>G (NM_001161664.2); short protein forms Y657C.
Identifiers: ClinVar variation 934464 (VCV000934464.6), dbSNP rs1230428971, ClinGen allele CA365412761.

ClinVar aggregate classification (germline): Uncertain significance. Review status: criteria provided, multiple submitters, no conflicts (2 of 4 stars). 2 submissions from 2 submitters: Uncertain significance (2). Last evaluated 2023-12-07.

Conditions:
Primary ciliary dyskinesia. Also called: Ciliary dyskinesia. Identifiers: Orphanet 244, MedGen C0008780, MONDO:0016575, HP:0012265.

Allele frequency attached by ClinVar (database versions not stated): gnomAD exomes 0.00001 and 0.00002; TOPMed 0.00005; gnomAD 0.00007.
gnomAD v4.1: 28 of 1,612,342 alleles (0.0017%); highest among the groups gnomAD compares: Admixed American, 0.018%; no homozygotes.

Submissions (2):

Labcorp Genetics (formerly Invitae), Labcorp
Classification: Uncertain significance for Primary ciliary dyskinesia. Last evaluated: 2023-12-07. Review status: criteria provided, single submitter. Criteria: Invitae Variant Classification Sherloc (09022015). Collection method: clinical testing. Allele origin: germline.
Comment: This sequence change replaces tyrosine, which is neutral and polar, with cysteine, which is neutral and slightly polar, at codon 657 of the RSPH4A protein (p.Tyr657Cys). This variant is present in population databases (no rsID available, gnomAD 0.006%). This variant has not been reported in the literature in individuals affected with RSPH4A-related conditions. ClinVar contains an entry for this variant (Variation ID: 934464). Advanced modeling of protein sequence and biophysical properties (such as structural, functional, and spatial information, amino acid conservation, physicochemical variation, residue mobility, and thermodynamic stability) has been performed at Invitae for this missense variant, however the output from this modeling did not meet the statistical confidence thresholds required to predict the impact of this variant on RSPH4A protein function. In summary, the available evidence is currently insufficient to determine the role of this variant in disease. Therefore, it has been classified as a Variant of Uncertain Significance.

Ambry Genetics
Classification: Uncertain significance for Primary ciliary dyskinesia. Last evaluated: 2022-05-04. Review status: criteria provided, single submitter. Criteria: Ambry Variant Classification Scheme 2023. Collection method: clinical testing. Allele origin: germline.